The following is an entry in ClinVar:

NM_033453.4(ITPA):c.468G>T (p.Gln156His)

Gene: ITPA (inosine triphosphatase; plus strand). Cytogenetic location: 20p13.
Variant type: single nucleotide variant.
Coding change: c.468G>T on transcript NM_033453.4 (MANE Select); coding-DNA position 468, G replaced by T.
Protein change: p.Gln156His; replaces glutamine 156 with histidine.
Molecular consequence: missense variant. On other transcripts: non-coding transcript variant (2), intron variant (1).
Genome position (GRCh38, 1-based): chr20:3,221,897, G>T. VCF-style: chr20-3221897-G-T. GRCh37 (hg19) VCF-style: chr20-3202543-G-T.
Other names: c.345G>T, p.Gln115His (NM_001267623.2); c.131G>T, p.Ser44Ile (NM_001324236.2, NM_001324237.2, NM_001324238.2 and 1 more transcripts); c.417G>T, p.Gln139His (NM_181493.4); c.411+3265G>T (NM_001324240.2); short protein forms Q115H, Q139H, Q156H, S44I.
Identifiers: ClinVar variation 1062275 (VCV001062275.4), dbSNP rs1164207315, ClinGen allele CA408080987.

ClinVar aggregate classification (germline): Uncertain significance (1 of 4 stars; one submission).

Conditions:
Inosine triphosphatase deficiency. Also called: INOSINE TRIPHOSPHATE PYROPHOSPHOHYDROLASE DEFICIENCY. Identifiers: MedGen C0342800, MONDO:0013461, OMIM 613850.

Allele frequency attached by ClinVar (database versions not stated): gnomAD exomes below 0.00001 and 0.00001; gnomAD 0.00001.
gnomAD v4.1: 9 of 1,613,892 alleles (0.00056%); highest among the groups gnomAD compares: Admixed American, 0.0017%; no homozygotes.

Submission:

Labcorp Genetics (formerly Invitae), Labcorp
Classification: Uncertain significance for Inosine triphosphatase deficiency. Last evaluated: 2021-12-13. Review status: criteria provided, single submitter. Criteria: Invitae Variant Classification Sherloc (09022015). Collection method: clinical testing. Allele origin: germline.
Comment: This sequence change replaces glutamine, which is neutral and polar, with histidine, which is basic and polar, at codon 156 of the ITPA protein (p.Gln156His). This variant is present in population databases (no rsID available, gnomAD 0.0009%). This variant has not been reported in the literature in individuals affected with ITPA-related conditions. ClinVar contains an entry for this variant (Variation ID: 1062275). Algorithms developed to predict the effect of missense changes on protein structure and function are either unavailable or do not agree on the potential impact of this missense change (SIFT: "Deleterious"; PolyPhen-2: "Probably Damaging"; Align-GVGD: "Class C0"). In summary, the available evidence is currently insufficient to determine the role of this variant in disease. Therefore, it has been classified as a Variant of Uncertain Significance.